The following is an entry in ClinVar:

NM_014425.5(INVS):c.2299C>T (p.Leu767Phe)

Gene: INVS (inversin; plus strand). Cytogenetic location: 9q31.1.
Variant type: single nucleotide variant.
Coding change: c.2299C>T on transcript NM_014425.5 (MANE Select); coding-DNA position 2299, C replaced by T.
Protein change: p.Leu767Phe; replaces leucine 767 with phenylalanine.
Molecular consequence: missense variant. On other transcripts: non-coding transcript variant (1).
Genome position (GRCh38, 1-based): chr9:100,292,556, C>T. VCF-style: chr9-100292556-C-T. GRCh37 (hg19) VCF-style: chr9-103054838-C-T.
Other names: c.2011C>T, p.Leu671Phe (NM_001318381.2); c.1321C>T, p.Leu441Phe (NM_001318382.2); c.2299C>T (NM_014425.2); short protein forms L441F, L671F, L767F.
Identifiers: ClinVar variation 2193816 (VCV002193816.4), dbSNP rs867609909, ClinGen allele CA196895541.
Genomic context (GRCh38, chr9:100,292,556, plus strand): 5'-TGTATCAGGGTGGCTGGGCCTGATGAGAAAGGAGAGGACTCCAGGCGGGCAGCTGCAAGC[C>T]TTCCACCGCACGATAGCCACTGGAAGCCCAGCAGGCGGCATGACACAGAACCCAAGGCCA-3'
Protein context (NP_055240.2, residues 757-777): GEDSRRAAAS[Leu767Phe]PPHDSHWKPS

ClinVar aggregate classification (germline): Uncertain significance. Review status: criteria provided, multiple submitters, no conflicts (2 of 4 stars). 3 submissions from 3 submitters: Uncertain significance (3). Last evaluated 2025-04-04.

Conditions:
Nephronophthisis. Also called: Juvenile Nephronophthisis. Identifiers: Orphanet 655, MedGen C0687120, MONDO:0019005, HP:0000090.
Infantile nephronophthisis (NPHP2). Also called: Nephronophthisis 2; Nephronophthisis 2, infantile. Identifiers: Orphanet 655, Orphanet 93591, MedGen C1865872, MONDO:0011190, OMIM 602088.
Inborn genetic diseases. Identifiers: MedGen C0950123, MeSH D030342.

Allele frequency attached by ClinVar (database versions not stated): gnomAD exomes below 0.00001; TOPMed 0.00002.
gnomAD v4.1: 3 of 1,614,182 alleles (0.00019%); highest among the groups gnomAD compares: African/African-American, 0.0027%; no homozygotes.

Submissions (3):

Ambry Genetics
Classification: Uncertain significance for Inborn genetic diseases. Last evaluated: 2025-04-04. Review status: criteria provided, single submitter. Criteria: Ambry Variant Classification Scheme 2023. Collection method: clinical testing. Allele origin: germline.

Labcorp Genetics (formerly Invitae), Labcorp
Classification: Uncertain significance for Nephronophthisis. Last evaluated: 2024-01-15. Review status: criteria provided, single submitter. Criteria: Invitae Variant Classification Sherloc (09022015). Collection method: clinical testing. Allele origin: germline.
Comment: This sequence change replaces leucine, which is neutral and non-polar, with phenylalanine, which is neutral and non-polar, at codon 767 of the INVS protein (p.Leu767Phe). This variant is not present in population databases (gnomAD no frequency). This variant has not been reported in the literature in individuals affected with INVS-related conditions. ClinVar contains an entry for this variant (Variation ID: 2193816). An algorithm developed to predict the effect of missense changes on protein structure and function (PolyPhen-2) suggests that this variant¬†is likely to be tolerated. In summary, the available evidence is currently insufficient to determine the role of this variant in disease. Therefore, it has been classified as a Variant of Uncertain Significance.

Fulgent Genetics
Classification: Uncertain significance for Infantile nephronophthisis. Last evaluated: 2023-12-28. Review status: criteria provided, single submitter. Criteria: ACMG Guidelines, 2015. Collection method: clinical testing. Allele origin: germline.